The following is an entry in ClinVar:

NM_004168.4(SDHA):c.1785delinsCTTCTGGCGCGCATGCCAGG (p.Glu595fs)

Gene: SDHA (succinate dehydrogenase complex flavoprotein subunit A; plus strand). Cytogenetic location: 5p15.33.
Variant type: Indel.
Coding change: c.1785delinsCTTCTGGCGCGCATGCCAGG on transcript NM_004168.4 (MANE Select); coding-DNA position 1785, A replaced by CTTCTGGCGCGCATGCCAGG.
Protein change: p.Glu595fs; shifts the reading frame from glutamic acid 595.
Molecular consequence: frameshift variant. On other transcripts: intron variant (1).
Genome position (GRCh38, 1-based): chr5:251,459, A replaced by CTTCTGGCGCGCATGCCAGG. VCF-style: chr5-251459-A-CTTCTGGCGCGCATGCCAGG. GRCh37 (hg19) VCF-style: chr5-251574-A-CTTCTGGCGCGCATGCCAGG.
Other names: c.1641delinsCTTCTGGCGCGCATGCCAGG, p.Glu547fs (NM_001294332.2); c.1552-2934delinsCTTCTGGCGCGCATGCCAGG (NM_001330758.2); short protein forms E595fs, E547fs.
Identifiers: ClinVar variation 2452792 (VCV002452792.2), dbSNP rs2477459237, ClinGen allele CA2580073127.

ClinVar aggregate classification (germline): Pathogenic (1 of 4 stars; one submission).

Conditions:
Hereditary cancer-predisposing syndrome. Also called: Neoplastic Syndromes, Hereditary; Tumor predisposition; Hereditary neoplastic syndrome; Hereditary Cancer Syndrome. Identifiers: Orphanet 140162, MedGen C0027672, MeSH D009386, MONDO:0015356.

Submission:

Ambry Genetics
Classification: Pathogenic for Hereditary cancer-predisposing syndrome. Last evaluated: 2022-12-13. Review status: criteria provided, single submitter. Criteria: Ambry Variant Classification Scheme 2023. Collection method: clinical testing. Allele origin: germline.
Comment: The c.1785delAins20 variant, located in coding exon 13 of the SDHA gene, results from the deletion of one nucleotide and insertion of 20 nucleotides causing a translational frameshift with a predicted alternate stop codon (p.E595Dfs*14). This alteration is expected to result in loss of function by premature protein truncation or nonsense-mediated mRNA decay. As such, this alteration is interpreted as a disease-causing mutation.